The following is an entry in ClinVar:

ClinVar aggregate classification (germline): Pathogenic (1 of 4 stars; one submission).

Conditions:
Arrhythmogenic right ventricular dysplasia 8 (ARVD8). Also called: ARRHYTHMOGENIC RIGHT VENTRICULAR DYSPLASIA, FAMILIAL, 8; ARRHYTHMOGENIC RIGHT VENTRICULAR CARDIOMYOPATHY 8; Arrhythmogenic Right Ventricular Dysplasia/Cardiomyopathy 8. Identifiers: MedGen C1843896, MONDO:0011831, OMIM 607450.
Arrhythmogenic cardiomyopathy with wooly hair and keratoderma. Also called: Dilated cardiomyopathy with woolly hair and keratoderma; PALMOPLANTAR KERATODERMA WITH LEFT VENTRICULAR CARDIOMYOPATHY AND WOOLLY HAIR; Carvajal syndrome; Arrhythmogenic cardiomyopathy with woolly hair and keratoderma. Identifiers: Orphanet 65282, MedGen C1854063, MONDO:0011581, OMIM 605676.

Submission:

Labcorp Genetics (formerly Invitae), Labcorp
Classification: Pathogenic for Arrhythmogenic cardiomyopathy with wooly hair and keratoderma; Arrhythmogenic right ventricular dysplasia 8. Last evaluated: 2019-08-23. Review status: criteria provided, single submitter. Criteria: Invitae Variant Classification Sherloc (09022015). Collection method: clinical testing. Allele origin: germline.
Comment: This sequence change results in a premature translational stop signal in the DSP gene (p.Val1821Thrfs*12). While this is not anticipated to result in nonsense mediated decay, it is expected to disrupt the last 1051 amino acids of the DSP protein. This variant is not present in population databases (ExAC no frequency). This variant has not been reported in the literature in individuals with DSP-related conditions. This variant disrupts the C-terminus of the DSP protein. Other variant(s) that disrupt this region (p.Thr2634Lysfs*4, p.Arg2166*) have been determined to be pathogenic (PMID: 11063735, 27532257, 23671136). This suggests that variants that disrupt this region of the protein are likely to be causative of disease. For these reasons, this variant has been classified as Pathogenic.

Literature cited by the submitters: PubMed 11063735; PubMed 27532257; PubMed 23671136.

NM_004415.4(DSP):c.5460_5472del (p.Val1821fs)

Gene: DSP (desmoplakin; plus strand). Cytogenetic location: 6p24.3.
Variant type: Deletion.
Coding change: c.5460_5472del on transcript NM_004415.4 (MANE Select); coding-DNA positions 5460 to 5472, 13 bases deleted (AGTCCTGGAGCAA).
Protein change: p.Val1821fs; shifts the reading frame from valine 1821.
Molecular consequence: frameshift variant.
Genome position (GRCh38, 1-based): chr6:7,582,722-7,582,734, AGTCCTGGAGCAA deleted; deleting any 13 consecutive bases within chr6:7,582,719-7,582,734 gives the same sequence; the c. name uses the placement nearest the transcript's 3' end. VCF-style (leftmost placement, unchanged base first): chr6-7582718-TCAAAGTCCTGGAG-T. GRCh37 (hg19) VCF-style: chr6-7582951-TCAAAGTCCTGGAG-T.
Other names: c.3663_3675del, p.Val1222fs (NM_001008844.3); c.4131_4143del, p.Val1378fs (NM_001319034.2); short protein forms V1821fs, V1222fs, V1378fs.
Identifiers: ClinVar variation 959494 (VCV000959494.10), dbSNP rs1759478436, ClinGen allele CA1139659416.